The following is an entry in ClinVar:

ClinVar aggregate classification (germline): Conflicting classifications of pathogenicity. Review status: criteria provided, conflicting classifications (1 of 4 stars). 13 submissions from 13 submitters: Uncertain significance (9); Likely benign (1). 3 of the submissions do not count toward it. Last evaluated 2026-04-12.

Conditions:
CFTR-related disorder (CFTR-RD). Also called: CFTR-related disorders; CFTR-related condition. Identifiers: MedGen C5924204, MONDO:7770004.
Cystic fibrosis (CF). Also called: MUCOVISCIDOSIS. Identifiers: Orphanet 586, MedGen C0010674, MONDO:0009061, OMIM 219700. Disease mechanism: loss of function.

Allele frequency attached by ClinVar (database versions not stated): TOPMed 0.00003; 1000 Genomes Project 0.00040; gnomAD 0.00004 and 0.00007; gnomAD exomes 0.00016; ExAC 0.00018; 1000 Genomes Project 30x 0.00031.
gnomAD v4.1: 145 of 1,612,996 alleles (0.009%); highest among the groups gnomAD compares: Middle Eastern, 0.23%; 2 homozygotes.

Submissions (13):

GeneDx
Classification: Uncertain significance. Last evaluated: 2026-04-12. Review status: criteria provided, single submitter. Criteria: GeneDx Variant Classification Process June 2021. Collection method: clinical testing. Allele origin: germline.
Comment: Identified in the heterozygous state in a patient with mild cystic fibrosis, pancreatic sufficiency, and borderline sweat chloride who harbored another CFTR variant (PMID: 12439892); Identified in the heterozygous state in a patient with CFTR-related disorder as well as a patient with cystic fibrosis, pancreatic sufficiency, and elevated sweat chloride; however, a second CFTR variant was not identified for either patient (PMID: 17662673, 22020151); In silico analysis suggests that this missense variant does not alter protein structure/function; This variant is associated with the following publications: (PMID: 25735457, 26436105, 23420618, 34996830, 34426522, 12843327, 22020151, 22995991, 26437683, 15536480, 16251901, 10746558, 31655510, 32026723, 27195969, 33572515, Turkyilmaz_2021[Article], 21520337, 17662673, 12439892, 36964972, 37628659)

Labcorp Genetics (formerly Invitae), Labcorp
Classification: Likely benign for Cystic fibrosis. Last evaluated: 2026-02-02. Review status: criteria provided, single submitter. Criteria: Invitae Variant Classification Sherloc (09022015). Collection method: clinical testing. Allele origin: germline.

Ambry Genetics
Classification: Uncertain significance for Cystic fibrosis. Last evaluated: 2025-03-17. Review status: criteria provided, single submitter. Criteria: Ambry Variant Classification Scheme 2023. Collection method: clinical testing. Allele origin: germline.
Comment: The p.K68E variant (also known as c.202A>G), located in coding exon 3 of the CFTR gene, results from an A to G substitution at nucleotide position 202. The lysine at codon 68 is replaced by glutamic acid, an amino acid with similar properties. This variant was described in an individual with mild cystic fibrosis phenotype, who had a splice site variant on the other chromosome (Kilin&ccedil; MO et al. Am. J. Med. Genet., 2002 Dec;113:250-7). This alteration was also identified in heterozygous state in an individual with pancreatic insufficiency and elevated sweat chloride levels (Alibakhshi R et al. J. Cyst. Fibros., 2008 Mar;7:102-9). This variant was also reported in a pancreatitis cohort (Jalaly NY et al. Am J Gastroenterol, 2017 Aug;112:1320-1329). In an assay testing CFTR function, this variant showed a functionally abnormal result (Bihler H et al. J Cyst Fibros, 2024 Jul;23:664-675). This amino acid position is well conserved in available vertebrate species. In addition, this alteration is predicted to be deleterious by in silico analysis. Based on the available evidence, the clinical significance of this variant remains unclear.

Dasa
Classification: Uncertain significance. Last evaluated: 2025-03-03. Review status: criteria provided, single submitter. Criteria: DASA Assertion Criteria. Collection method: clinical testing. Allele origin: germline.
Comment: NM_000492.4(CFTR):c.202A>G (p.Lys68Glu) is a missense variant that results in the substitution of lysine with glutamic acid. This variant is rare in population databases. The currently available literature and clinical evidence are not sufficient to establish a definitive association between this variant and the reported condition. Therefore, this variant is classified as a variant of uncertain significance.

Mayo Clinic Laboratories, Mayo Clinic
Classification: Uncertain significance. Last evaluated: 2025-02-04. Review status: criteria provided, single submitter. Criteria: ACMG Guidelines, 2015. Collection method: clinical testing. Allele origin: germline. Observed: 1 variant allele.
Comment: PP3, PM2_supporting

Blueprint Genetics
Classification: Uncertain significance. Last evaluated: 2024-11-07. Review status: criteria provided, single submitter. Criteria: ACMG Guidelines, 2015. Collection method: clinical testing. Allele origin: germline.

Genome-Nilou Lab
Classification: Uncertain significance for Cystic fibrosis. Last evaluated: 2021-06-10. Review status: criteria provided, single submitter. Criteria: ACMG Guidelines, 2015. Collection method: clinical testing. Allele origin: germline. Affected: no.

Eurofins Ntd Llc (ga)
Classification: Uncertain significance. Last evaluated: 2018-08-21. Review status: criteria provided, single submitter. Criteria: EGL ClinVar v180209 classification definitions. Collection method: clinical testing. Allele origin: germline. Observed: 1 variant allele, 1 heterozygote.

Women's Health and Genetics/Laboratory Corporation of America, LabCorp
Classification: Uncertain significance. Last evaluated: 2016-02-09. Review status: criteria provided, single submitter. Criteria: LabCorp Variant Classification Summary - May 2015. Collection method: clinical testing. Allele origin: germline.

Kariminejad - Najmabadi Pathology & Genetics Center
Classification: Uncertain significance for Cystic fibrosis. Review status: criteria provided, single submitter. Criteria: ACMG Guidelines, 2015. Collection method: clinical testing. Allele origin: germline. Affected: no.

PreventionGenetics, part of Exact Sciences
Classification: Uncertain significance for CFTR-related condition. Last evaluated: 2024-08-20. Review status: no assertion criteria provided. Collection method: clinical testing. Allele origin: germline. Not counted in ClinVar's aggregate classification.
Comment: The CFTR c.202A>G variant is predicted to result in the amino acid substitution p.Lys68Glu. This variant, described at nucleotide position 334 in legacy nomenclature, has been reported in the compound heterozygous state in an individual with mild cystic fibrosis (CF) who had pancreatic sufficiency and a borderline sweat chloride test (60 mEq/L) and in an individual with CF with pancreatic insufficiency and elevated sweat chloride, in whom a second CFTR variant was not found (Kilinc et al. 2002. PubMed ID: 12439892; Alibakhshi et al. 2007. PubMed ID: 17662673). This variant has also been reported in the heterozygous state in individuals with CF or CFTR-related disorders, chronic obstructive pulmonary disease, chronic pancreatitis, and congenital absence of vas deferens (Table 1, Amato et al. 2011. PubMed ID: 22020151; Table 2, Trujillano et al. 2015. PubMed ID: 26436105; Table 1, Jalaly et al. 2017. PubMed ID: 28440306; Supplementary Table 1, Saferali et al. 2022. PubMed ID: 34996830). However, this variant has also been found in the heterozygous state in a control individual from a study of patients with chronic pancreatitis and a control individual from a study of patients with congenital bilateral absence of the vas deferens (Supporting Tables S4 and S5, Steiner et al. 2011. PubMed ID: 21520337). In vitro functional studies suggest that this variant impairs CFTR function, although the protein retains 40-60% residual activity compared to control (Table 1, Baldassarri et al. 2022. PubMed ID: 36552859). This variant is reported in 0.078% of alleles in individuals of South Asian descent in gnomAD. At this time, the clinical significance of this variant is uncertain due to the absence of conclusive functional and genetic evidence.

Counsyl
Classification: Uncertain significance for Cystic fibrosis. Last evaluated: 2018-05-08. Review status: no assertion criteria provided. Collection method: clinical testing. Allele origin: unknown. Not counted in ClinVar's aggregate classification.

ClinVar Staff, National Center for Biotechnology Information (NCBI)
No classification provided. Condition: CFTR-related disorders. Review status: no classification provided. Collection method: literature only. Allele origin: germline. Affected: yes. Not counted in ClinVar's aggregate classification.

Literature cited by the submitters: PubMed 12439892 (cited by 5 submitters); PubMed 17662673 (cited by 4 submitters); PubMed 28440306 (cited by Ambry Genetics and Mayo Clinic Laboratories, Mayo Clinic); PubMed 38388235 (cited by Ambry Genetics and Mayo Clinic Laboratories, Mayo Clinic); PubMed 21520337 (cited by Mayo Clinic Laboratories, Mayo Clinic and Women's Health and Genetics/Laboratory Corporation of America, LabCorp); PubMed 22020151 (cited by Mayo Clinic Laboratories, Mayo Clinic and Women's Health and Genetics/Laboratory Corporation of America, LabCorp); PubMed 23420618 (cited by 3 submitters); PubMed 33572515 (cited by Mayo Clinic Laboratories, Mayo Clinic); PubMed 34525262 (cited by Mayo Clinic Laboratories, Mayo Clinic); PubMed 36552859 (cited by Mayo Clinic Laboratories, Mayo Clinic); PubMed 36964972 (cited by Mayo Clinic Laboratories, Mayo Clinic); PubMed 37628659 (cited by Mayo Clinic Laboratories, Mayo Clinic); PubMed 10746558 (cited by Women's Health and Genetics/Laboratory Corporation of America, LabCorp); PubMed 25735457 (cited by Women's Health and Genetics/Laboratory Corporation of America, LabCorp); PubMed 16251901 (cited by Women's Health and Genetics/Laboratory Corporation of America, LabCorp); PubMed 22995991 (cited by Women's Health and Genetics/Laboratory Corporation of America, LabCorp); PubMed 12843327 (cited by Women's Health and Genetics/Laboratory Corporation of America, LabCorp); PubMed 25556971 (cited by Women's Health and Genetics/Laboratory Corporation of America, LabCorp); PubMed 15536480 (cited by Women's Health and Genetics/Laboratory Corporation of America, LabCorp); PubMed 26437683 (cited by Counsyl); PubMed 26436105 (cited by Counsyl).

NM_000492.4(CFTR):c.202A>G (p.Lys68Glu)

Gene: CFTR (CF transmembrane conductance regulator; plus strand). Cytogenetic location: 7q31.2.
Variant type: single nucleotide variant.
Coding change: c.202A>G on transcript NM_000492.4 (MANE Select); coding-DNA position 202, A replaced by G.
Protein change: p.Lys68Glu; replaces lysine 68 with glutamic acid.
Molecular consequence: missense variant.
Genome position (GRCh38, 1-based): chr7:117,509,071, A>G. VCF-style: chr7-117509071-A-G. GRCh37 (hg19) VCF-style: chr7-117149125-A-G.
Other names: p.Lys68Glu; short protein forms K68E.
Identifiers: ClinVar variation 53428 (VCV000053428.28), dbSNP rs397508332, ClinGen allele CA326732.